The following is an entry in ClinVar:

ClinVar aggregate classification (germline): Likely benign (1 of 4 stars; one submission).

gnomAD v4.1: 5,026 of 1,611,114 alleles (0.31%); highest among the groups gnomAD compares: Middle Eastern, 1%; 17 homozygotes.

Submission:

CeGaT Center for Human Genetics Tuebingen
Classification: Likely benign. Last evaluated: 2026-04-01. Review status: criteria provided, single submitter. Criteria: CeGaT Center For Human Genetics Tuebingen Variant Classification Criteria Version 2. Collection method: clinical testing. Allele origin: germline. Affected: yes. Observed: 1 variant allele.
Comment: ARHGEF19: BP4, BS2

NM_153213.5(ARHGEF19):c.1908-6C>T

Gene: ARHGEF19 (Rho guanine nucleotide exchange factor 19; minus strand). Cytogenetic location: 1p36.13.
Variant type: single nucleotide variant.
Coding change: c.1908-6C>T on transcript NM_153213.5 (MANE Select); 6 bases into the intron before coding-DNA position 1908, C replaced by T.
Molecular consequence: intron variant.
Genome position (GRCh38, 1-based): chr1:16,202,580, G>A on the plus strand (C>T on the coding strand, the complement: ARHGEF19 is on the minus strand). VCF-style: chr1-16202580-G-A. GRCh37 (hg19) VCF-style: chr1-16529075-G-A.
Identifiers: ClinVar variation 4871994 (VCV004871994.2).